The following is an entry in ClinVar:

NM_017514.5(PLXNA3):c.2450G>A (p.Arg817Gln)

Gene: PLXNA3 (plexin A3; plus strand). Cytogenetic location: Xq28.
Variant type: single nucleotide variant.
Coding change: c.2450G>A on transcript NM_017514.5 (MANE Select); coding-DNA position 2450, G replaced by A.
Protein change: p.Arg817Gln; replaces arginine 817 with glutamine.
Molecular consequence: missense variant.
Genome position (GRCh38, 1-based): chrX:154,465,765, G>A. VCF-style: chrX-154465765-G-A. GRCh37 (hg19) VCF-style: chrX-153694108-G-A.
Other names: short protein forms R817Q.
Identifiers: ClinVar variation 2276984 (VCV002276984.3), dbSNP rs782122667, ClinGen allele CA10564377.

ClinVar aggregate classification (germline): Uncertain significance. Review status: criteria provided, multiple submitters, no conflicts (2 of 4 stars). 2 submissions from 2 submitters: Uncertain significance (2). Last evaluated 2025-03-24.

Conditions:
PLXNA3-related disorder. Also called: PLXNA3-related condition.

Allele frequency attached by ClinVar (database versions not stated): TOPMed below 0.00001; gnomAD 0.00002; gnomAD exomes 0.00003; ExAC 0.00004.
gnomAD v4.1: 31 of 1,208,576 alleles (0.0026%); highest among the groups gnomAD compares: South Asian, 0.039%; no homozygotes.

Submissions (2):

PreventionGenetics, part of Exact Sciences
Classification: Uncertain significance for PLXNA3-related condition. Last evaluated: 2025-03-24. Review status: criteria provided, single submitter. Criteria: ACMG Guidelines, 2015. Collection method: clinical testing. Allele origin: germline.
Comment: The PLXNA3 c.2450G>A variant is predicted to result in the amino acid substitution p.Arg817Gln. To our knowledge, this variant has not been reported in the literature. This variant is reported in 0.037% of alleles in individuals of South Asian descent in gnomAD, including two hemizygotes. At this time, the clinical significance of this variant is uncertain due to the absence of conclusive functional and genetic evidence.

Ambry Genetics
Classification: Uncertain significance. Last evaluated: 2022-11-17. Review status: criteria provided, single submitter. Criteria: Ambry Variant Classification Scheme 2023. Collection method: clinical testing. Allele origin: germline.